The following is an entry in ClinVar:

NM_144997.7(FLCN):c.110A>G (p.Asp37Gly)

Gene: FLCN (folliculin; minus strand). Cytogenetic location: 17p11.2.
Variant type: single nucleotide variant.
Coding change: c.110A>G on transcript NM_144997.7 (MANE Select); coding-DNA position 110, A replaced by G.
Protein change: p.Asp37Gly; replaces aspartic acid 37 with glycine.
Molecular consequence: missense variant.
Genome position (GRCh38, 1-based): chr17:17,228,028, T>C on the plus strand (A>G on the coding strand, the complement: FLCN is on the minus strand). VCF-style: chr17-17228028-T-C. GRCh37 (hg19) VCF-style: chr17-17131342-T-C.
Other names: c.110A>G, p.Asp37Gly (NM_001353229.2, NM_001353230.2, NM_001353231.2 and 1 more transcripts); short protein forms D37G.
Identifiers: ClinVar variation 2123091 (VCV002123091.6), dbSNP rs2145047013, ClinGen allele CA398535311.

ClinVar aggregate classification (germline): Uncertain significance. Review status: criteria provided, multiple submitters, no conflicts (2 of 4 stars). 2 submissions from 2 submitters: Uncertain significance (2). Last evaluated 2023-06-08.

Conditions:
Hereditary cancer-predisposing syndrome. Also called: Hereditary Cancer Syndrome; Neoplastic Syndromes, Hereditary; Hereditary neoplastic syndrome; Tumor predisposition. Identifiers: Orphanet 140162, MedGen C0027672, MeSH D009386, MONDO:0015356.
Birt-Hogg-Dube syndrome. Also called: Birt Hogg Dubé syndrome. Identifiers: Orphanet 122, MedGen C0346010, MONDO:0800444.

Submissions (2):

Ambry Genetics
Classification: Uncertain significance for Hereditary cancer-predisposing syndrome. Last evaluated: 2023-06-08. Review status: criteria provided, single submitter. Criteria: Ambry Variant Classification Scheme 2023. Collection method: clinical testing. Allele origin: germline.
Comment: The p.D37G variant (also known as c.110A>G), located in coding exon 1 of the FLCN gene, results from an A to G substitution at nucleotide position 110. The aspartic acid at codon 37 is replaced by glycine, an amino acid with similar properties. This amino acid position is conserved. In addition, the in silico prediction for this alteration is inconclusive. Since supporting evidence is limited at this time, the clinical significance of this alteration remains unclear.

Labcorp Genetics (formerly Invitae), Labcorp
Classification: Uncertain significance for Birt-Hogg-Dube syndrome. Last evaluated: 2022-09-26. Review status: criteria provided, single submitter. Criteria: Invitae Variant Classification Sherloc (09022015). Collection method: clinical testing. Allele origin: germline.
Comment: In summary, the available evidence is currently insufficient to determine the role of this variant in disease. Therefore, it has been classified as a Variant of Uncertain Significance. Advanced modeling of protein sequence and biophysical properties (such as structural, functional, and spatial information, amino acid conservation, physicochemical variation, residue mobility, and thermodynamic stability) performed at Invitae indicates that this missense variant is not expected to disrupt FLCN protein function. This sequence change replaces aspartic acid, which is acidic and polar, with glycine, which is neutral and non-polar, at codon 37 of the FLCN protein (p.Asp37Gly). This variant is not present in population databases (gnomAD no frequency). This variant has not been reported in the literature in individuals affected with FLCN-related conditions.